The following is an entry in ClinVar:

ClinVar aggregate classification (germline): Uncertain significance (1 of 4 stars; one submission).

Conditions:
Cardiovascular phenotype. Identifiers: MedGen CN230736.

Submission:

Ambry Genetics
Classification: Uncertain significance for Cardiovascular phenotype. Last evaluated: 2024-07-11. Review status: criteria provided, single submitter. Criteria: Ambry Variant Classification Scheme 2023. Collection method: clinical testing. Allele origin: germline.
Comment: The p.R627G variant (also known as c.1879C>G), located in coding exon 16 of the RAF1 gene, results from a C to G substitution at nucleotide position 1879. The arginine at codon 627 is replaced by glycine, an amino acid with dissimilar properties. This amino acid position is highly conserved in available vertebrate species. In addition, the in silico prediction for this alteration is inconclusive. Based on the available evidence, the clinical significance of this variant remains unclear.

NM_002880.4(RAF1):c.1879C>G (p.Arg627Gly)

Gene: RAF1 (Raf-1 proto-oncogene, serine/threonine kinase; minus strand). Cytogenetic location: 3p25.2.
Variant type: single nucleotide variant.
Coding change: c.1879C>G on transcript NM_002880.4 (MANE Select); coding-DNA position 1879, C replaced by G.
Protein change: p.Arg627Gly; replaces arginine 627 with glycine.
Molecular consequence: missense variant. On other transcripts: non-coding transcript variant (3).
Genome position (GRCh38, 1-based): chr3:12,584,582, G>C on the plus strand (C>G on the coding strand, the complement: RAF1 is on the minus strand). VCF-style: chr3-12584582-G-C. GRCh37 (hg19) VCF-style: chr3-12626081-G-C.
Other names: c.1939C>G, p.Arg647Gly (NM_001354689.3); c.1879C>G, p.Arg627Gly (NM_001354690.3); c.1636C>G, p.Arg546Gly (NM_001354691.3, NM_001354692.3); c.1780C>G, p.Arg594Gly (NM_001354693.3); c.1696C>G, p.Arg566Gly (NM_001354694.3); c.1537C>G, p.Arg513Gly (NM_001354695.3); short protein forms R513G, R627G, R566G, R546G, R594G, R647G.
Identifiers: ClinVar variation 3429932 (VCV003429932.1).